The following is an entry in ClinVar:

ClinVar aggregate classification (germline): Uncertain significance (1 of 4 stars; one submission).

Conditions:
Baller-Gerold syndrome (BGS). Also called: CRANIOSYNOSTOSIS WITH RADIAL DEFECTS. Identifiers: Orphanet 1225, MedGen C0265308, MONDO:0009039, OMIM 218600.

Submission:

Labcorp Genetics (formerly Invitae), Labcorp
Classification: Uncertain significance for Baller-Gerold syndrome. Last evaluated: 2021-12-17. Review status: criteria provided, single submitter. Criteria: Invitae Variant Classification Sherloc (09022015). Collection method: clinical testing. Allele origin: germline.
Comment: In summary, the available evidence is currently insufficient to determine the role of this variant in disease. Therefore, it has been classified as a Variant of Uncertain Significance. Experimental studies and prediction algorithms are not available or were not evaluated, and the functional significance of this variant is currently unknown. This variant has not been reported in the literature in individuals affected with RECQL4-related conditions. This variant is not present in population databases (gnomAD no frequency). This sequence change replaces glutamine, which is neutral and polar, with glutamic acid, which is acidic and polar, at codon 218 of the RECQL4 protein (p.Gln218Glu).

NM_004260.4(RECQL4):c.652C>G (p.Gln218Glu)

Gene: RECQL4 (RecQ like helicase 4; minus strand). Cytogenetic location: 8q24.3.
Variant type: single nucleotide variant.
Coding change: c.652C>G on transcript NM_004260.4 (MANE Select); coding-DNA position 652, C replaced by G.
Protein change: p.Gln218Glu; replaces glutamine 218 with glutamic acid.
Molecular consequence: missense variant.
Genome position (GRCh38, 1-based): chr8:144,516,467, G>C on the plus strand (C>G on the coding strand, the complement: RECQL4 is on the minus strand). VCF-style: chr8-144516467-G-C. GRCh37 (hg19) VCF-style: chr8-145741851-G-C.
Other names: c.652C>G, p.Gln218Glu (NM_001413017.1, NM_001413018.1, NM_001413019.1 and 4 more transcripts); c.-420C>G (NM_001413022.1, NM_001413023.1, NM_001413024.1 and 5 more transcripts); c.523C>G, p.Gln175Glu (NM_001413025.1); c.-482C>G (NM_001413027.1, NM_001413030.1, NM_001413031.1 and 2 more transcripts); c.-324C>G (NM_001413034.1); c.-689C>G (NM_001413043.1); short protein forms Q218E, Q175E.
Identifiers: ClinVar variation 2045733 (VCV002045733.4), dbSNP rs2538094025, ClinGen allele CA372689896.